The following is an entry in ClinVar:

NM_030962.4(SBF2):c.4774C>T (p.Pro1592Ser)

Genes: SBF2 (SET binding factor 2; minus strand), SBF2-AS1 (SBF2 antisense RNA 1; plus strand), LOC105369149 (uncharacterized LOC105369149; plus strand). Cytogenetic location: 11p15.4.
Variant type: single nucleotide variant.
Coding change: c.4774C>T on transcript NM_030962.4 (MANE Select); coding-DNA position 4774, C replaced by T.
Protein change: p.Pro1592Ser; replaces proline 1592 with serine.
Molecular consequence: missense variant.
Genome position (GRCh38, 1-based): chr11:9,789,267, G>A on the plus strand (C>T on the coding strand, the complement: SBF2 is on the minus strand). VCF-style: chr11-9789267-G-A. GRCh37 (hg19) VCF-style: chr11-9810814-G-A.
Other names: c.4870C>T, p.Pro1624Ser (NM_001386339.1); c.4645C>T, p.Pro1549Ser (NM_001386342.1); c.4810C>T, p.Pro1604Ser (NM_001424318.1, NM_001425070.1); c.4669C>T, p.Pro1557Ser (NM_001425069.1); short protein forms P1549S, P1557S, P1592S, P1604S, P1624S.
Identifiers: ClinVar variation 3027375 (VCV003027375.22), dbSNP rs552170470, ClinGen allele CA5880894.

ClinVar aggregate classification (germline): Uncertain significance (1 of 4 stars; one submission).

Allele frequency attached by ClinVar (database versions not stated): ExAC 0.00001; gnomAD 0.00001; 1000 Genomes Project 30x 0.00016; 1000 Genomes Project 0.00020.
gnomAD v4.1: 2 of 1,614,118 alleles (0.00012%); highest among the groups gnomAD compares: South Asian, 0.0022%; no homozygotes.

Submission:

CeGaT Center for Human Genetics Tuebingen
Classification: Uncertain significance. Last evaluated: 2024-03-01. Review status: criteria provided, single submitter. Criteria: CeGaT Center For Human Genetics Tuebingen Variant Classification Criteria Version 2. Collection method: clinical testing. Allele origin: germline. Affected: yes. Observed: 1 variant allele.
Comment: SBF2: PM2